The following is an entry in ClinVar:

ClinVar aggregate classification (germline): Uncertain significance (1 of 4 stars; one submission).

Submission:

Dasa
Classification: Uncertain significance. Last evaluated: 2026-08-04. Review status: criteria provided, single submitter. Criteria: DASA Assertion Criteria. Collection method: clinical testing. Allele origin: germline.
Comment: NM_001281775.3(ZMYND8):c.2855A>G (p.Lys952Arg) is a missense variant that results in the substitution of lysine with arginine. This variant is rare in population databases. Computational prediction algorithms are consistent with a deleterious effect. The currently available literature and clinical evidence are not sufficient to establish a definitive association between this variant and the reported condition. Therefore, this variant is classified as a variant of uncertain significance.

NM_001281775.3(ZMYND8):c.2855A>G (p.Lys952Arg)

Gene: ZMYND8 (zinc finger MYND-type containing 8; minus strand). Cytogenetic location: 20q13.12.
Variant type: single nucleotide variant.
Coding change: c.2855A>G on transcript NM_001281775.3 (MANE Select); coding-DNA position 2855, A replaced by G.
Protein change: p.Lys952Arg; replaces lysine 952 with arginine.
Molecular consequence: missense variant.
Genome position (GRCh38, 1-based): chr20:47,236,327, T>C on the plus strand (A>G on the coding strand, the complement: ZMYND8 is on the minus strand). VCF-style: chr20-47236327-T-C. GRCh37 (hg19) VCF-style: chr20-45865071-T-C.
Other names: c.2399A>G, p.Lys800Arg (NM_001281771.3); c.2795A>G, p.Lys932Arg (NM_001281772.3, NM_001281773.3, NM_001363741.2); c.2657A>G, p.Lys886Arg (NM_001281774.3); c.2474A>G, p.Lys825Arg (NM_001281776.3); c.2642A>G, p.Lys881Arg (NM_001281777.3, NM_001281782.3, NM_183048.4); c.2780A>G, p.Lys927Arg (NM_001281778.3); c.1913A>G, p.Lys638Arg (NM_001281779.3, NM_001281780.3); c.2501A>G, p.Lys834Arg (NM_001281781.3); and 4 more; short protein forms K638R, K800R, K825R, K834R, K880R, K881R, K886R, K906R.
Identifiers: ClinVar variation 5020633 (VCV005020633.1).